The following is an entry in ClinVar:

ClinVar aggregate classification (germline): Benign. Review status: criteria provided, multiple submitters, no conflicts (2 of 4 stars). 2 submissions from 2 submitters: Benign (2). Last evaluated 2018-01-13.

Conditions:
Microcephaly, normal intelligence and immunodeficiency (NBS). Also called: Ataxia telangiectasia variant V1; Immunodeficiency, microcephaly with normal intelligence; IMMUNODEFICIENCY, MICROCEPHALY, AND CHROMOSOMAL INSTABILITY; SEEMANOVA SYNDROME II; Nijmegen breakage syndrome; Microcephaly with normal intelligence immunodeficiency and lymphoreticular malignancies. Identifiers: Orphanet 647, MedGen C0398791, MONDO:0009623, OMIM 251260.

Allele frequency attached by ClinVar (database versions not stated): gnomAD exomes 0.11568; 1000 Genomes Project 30x 0.26499; gnomAD 0.19141 and 0.19329; TOPMed 0.21520; 1000 Genomes Project 0.25938.
gnomAD v4.1: 38,276 of 232,030 alleles (16%); highest among the groups gnomAD compares: African/African-American, 46%; 6,217 homozygotes.

Submissions (2):

Illumina Laboratory Services, Illumina
Classification: Benign for Microcephaly, normal intelligence and immunodeficiency. Last evaluated: 2018-01-13. Review status: criteria provided, single submitter. Criteria: ICSL Variant Classification Criteria 13 December 2019. Collection method: clinical testing. Allele origin: germline.
Comment: This variant was observed in the ICSL laboratory as part of a predisposition screen in an ostensibly healthy population. It had not been previously curated by ICSL or reported in the Human Gene Mutation Database (HGMD: prior to June 1st, 2018), and was therefore a candidate for classification through an automated scoring system. Utilizing variant allele frequency, disease prevalence and penetrance estimates, and inheritance mode, an automated score was calculated to assess if this variant is too frequent to cause the disease. Based on the score and internal cut-off values, a variant classified as benign is not then subjected to further curation. The score for this variant resulted in a classification of benign for this disease.

Breakthrough Genomics
Classification: Benign. Review status: criteria provided, single submitter. Criteria: ACMG Guidelines, 2015. Collection method: not provided. Allele origin: germline. Inheritance: Autosomal recessive inheritance. Affected: yes.

NM_002485.5(NBN):c.*1977T>C

Gene: NBN (nibrin; minus strand). Cytogenetic location: 8q21.3.
Variant type: single nucleotide variant.
Coding change: c.*1977T>C on transcript NM_002485.5 (MANE Select); 1977 bases downstream of the stop codon, T replaced by C.
Molecular consequence: 3 prime UTR variant.
Genome position (GRCh38, 1-based): chr8:89,933,605, A>G on the plus strand (T>C on the coding strand, the complement: NBN is on the minus strand). VCF-style: chr8-89933605-A-G. GRCh37 (hg19) VCF-style: chr8-90945833-A-G.
Other names: c.*1977T>C (NM_001024688.3).
Identifiers: ClinVar variation 363892 (VCV000363892.6), dbSNP rs14448, ClinGen allele CA10631718.